The following is an entry in ClinVar:

ClinVar aggregate classification (germline): Uncertain significance (1 of 4 stars; one submission).

Conditions:
Periodic fever-infantile enterocolitis-autoinflammatory syndrome. Also called: Autoinflammation with infantile enterocolitis. Identifiers: Orphanet 436166, MedGen C4015067, MONDO:0014472, OMIM 616050.
Familial cold autoinflammatory syndrome 4 (FCAS4). Identifiers: Orphanet 47045, Orphanet 576349, MedGen C4015276, MONDO:0014498, OMIM 616115.

Allele frequency attached by ClinVar (database versions not stated): gnomAD 0.00001; ExAC 0.00001; 1000 Genomes Project 30x 0.00016.
gnomAD v4.1: 1 of 1,614,196 alleles (0.000062%); highest among the groups gnomAD compares: East Asian, 0.0022%; no homozygotes.

Submission:

Labcorp Genetics (formerly Invitae), Labcorp
Classification: Uncertain significance for Periodic fever-infantile enterocolitis-autoinflammatory syndrome; Familial cold autoinflammatory syndrome 4. Last evaluated: 2025-05-23. Review status: criteria provided, single submitter. Criteria: Invitae Variant Classification Sherloc (09022015). Collection method: clinical testing. Allele origin: germline.
Comment: This sequence change replaces proline, which is neutral and non-polar, with serine, which is neutral and polar, at codon 645 of the NLRC4 protein (p.Pro645Ser). This variant is not present in population databases (gnomAD no frequency). This variant has not been reported in the literature in individuals affected with NLRC4-related conditions. ClinVar contains an entry for this variant (Variation ID: 2948894). Invitae Evidence Modeling of protein sequence and biophysical properties (such as structural, functional, and spatial information, amino acid conservation, physicochemical variation, residue mobility, and thermodynamic stability) indicates that this missense variant is not expected to disrupt NLRC4 protein function with a negative predictive value of 80%. In summary, the available evidence is currently insufficient to determine the role of this variant in disease. Therefore, it has been classified as a Variant of Uncertain Significance.

NM_001199138.2(NLRC4):c.1933C>T (p.Pro645Ser)

Gene: NLRC4 (NLR family CARD domain containing 4; minus strand). Cytogenetic location: 2p22.3.
Variant type: single nucleotide variant.
Coding change: c.1933C>T on transcript NM_001199138.2 (MANE Select); coding-DNA position 1933, C replaced by T.
Protein change: p.Pro645Ser; replaces proline 645 with serine.
Molecular consequence: missense variant. On other transcripts: intron variant (1).
Genome position (GRCh38, 1-based): chr2:32,249,931, G>A on the plus strand (C>T on the coding strand, the complement: NLRC4 is on the minus strand). VCF-style: chr2-32249931-G-A. GRCh37 (hg19) VCF-style: chr2-32475000-G-A.
Other names: c.1933C>T, p.Pro645Ser (NM_001199139.2, NM_021209.5); c.262+2488C>T (NM_001302504.1); short protein forms P645S.
Identifiers: ClinVar variation 2948894 (VCV002948894.3), dbSNP rs755218343, ClinGen allele CA1601900.